The following is an entry in ClinVar:

ClinVar aggregate classification (germline): Pathogenic (1 of 4 stars; one submission).

Submission:

CeGaT Center for Human Genetics Tuebingen
Classification: Pathogenic. Last evaluated: 2024-11-01. Review status: criteria provided, single submitter. Criteria: CeGaT Center For Human Genetics Tuebingen Variant Classification Criteria Version 2. Collection method: clinical testing. Allele origin: germline. Affected: yes. Observed: 1 variant allele.
Comment: LEMD3: PVS1, PM2

NM_014319.5(LEMD3):c.1776-2A>C

Gene: LEMD3 (LEM domain containing 3; plus strand). Cytogenetic location: 12q14.3.
Variant type: single nucleotide variant.
Coding change: c.1776-2A>C on transcript NM_014319.5 (MANE Select); the canonical splice acceptor site of the intron before coding-DNA position 1776, A replaced by C.
Molecular consequence: splice acceptor variant.
Genome position (GRCh38, 1-based): chr12:65,238,667, A>C. VCF-style: chr12-65238667-A-C. GRCh37 (hg19) VCF-style: chr12-65632447-A-C.
Other names: c.1773-2A>C (NM_001167614.2).
Identifiers: ClinVar variation 3390252 (VCV003390252.14).
Genomic context (GRCh38, chr12:65,238,667, plus strand): 5'-CCATTCTGTACTGGGAGAAATGGTTTTTGACTTTAAATTCTACCTTACTTATTTTTAAAT[A>C]GGTGTGTTGGTTTTGGCCCTGAGGAAGAATTGACAAATATAACTGATGTGCAGTTTTTAC-3'